The following is an entry in ClinVar:

ClinVar aggregate classification (germline): Uncertain significance (1 of 4 stars; one submission).

Conditions:
Hereditary sensory and autonomic neuropathy type 6. Also called: HSAN VI; Neuropathy, hereditary sensory and autonomic, type VI. Identifiers: Orphanet 314381, MedGen C3539003, MONDO:0013839, OMIM 614653.
Epidermolysis bullosa simplex 3, localized or generalized intermediate, with BP230 deficiency (EBS3). Also called: Epidermolysis bullosa simplex, autosomal recessive 2; Epidermolysis bullosa simplex due to BP230 deficiency. Identifiers: Orphanet 412181, MedGen C3809470, MONDO:0014180, OMIM 615425.

Allele frequency attached by ClinVar (database versions not stated): gnomAD 0.00001; TOPMed 0.00001.
gnomAD v4.1: 3 of 1,614,002 alleles (0.00019%); highest among the groups gnomAD compares: African/African-American, 0.004%; no homozygotes.

Submission:

Labcorp Genetics (formerly Invitae), Labcorp
Classification: Uncertain significance for Epidermolysis bullosa simplex 3, localized or generalized intermediate, with BP230 deficiency; Hereditary sensory and autonomic neuropathy type 6. Last evaluated: 2021-01-08. Review status: criteria provided, single submitter. Criteria: Invitae Variant Classification Sherloc (09022015). Collection method: clinical testing. Allele origin: germline.
Comment: In summary, the available evidence is currently insufficient to determine the role of this variant in disease. Therefore, it has been classified as a Variant of Uncertain Significance. Algorithms developed to predict the effect of missense changes on protein structure and function (SIFT, PolyPhen-2, Align-GVGD) all suggest that this variant is likely to be tolerated, but these predictions have not been confirmed by published functional studies and their clinical significance is uncertain. This variant has not been reported in the literature in individuals with DST-related conditions. This variant is not present in population databases (ExAC no frequency). This sequence change replaces serine with isoleucine at codon 1134 of the DST protein (p.Ser1134Ile). The serine residue is weakly conserved and there is a large physicochemical difference between serine and isoleucine.

NM_001723.7(DST):c.3401G>T (p.Ser1134Ile)

Gene: DST (dystonin; minus strand). Cytogenetic location: 6p12.1.
Variant type: single nucleotide variant.
Coding change: c.3401G>T on transcript NM_001723.7 (MANE Plus Clinical); coding-DNA position 3401, G replaced by T.
Protein change: p.Ser1134Ile; replaces serine 1134 with isoleucine.
Molecular consequence: missense variant. On other transcripts: intron variant (10).
Genome position (GRCh38, 1-based): chr6:56,620,633, C>A on the plus strand (G>T on the coding strand, the complement: DST is on the minus strand). VCF-style: chr6-56620633-C-A. GRCh37 (hg19) VCF-style: chr6-56485431-C-A.
Other names: c.4830+3897G>T (NM_001144769.5); c.4929+3897G>T (NM_001374722.1, NM_001374736.1); c.4956+3897G>T (NM_001374734.1); c.4416+3897G>T (NM_001144770.2); c.4296+3897G>T (NM_001374730.1, NM_001386100.1, NM_183380.4 and 1 more transcripts); c.3318+3897G>T (NM_015548.5); short protein forms S1134I.
Identifiers: ClinVar variation 1381943 (VCV001381943.6), dbSNP rs1407716881, ClinGen allele CA364571993.